The following is an entry in ClinVar:

ClinVar aggregate classification (germline): Benign/Likely benign. Review status: criteria provided, multiple submitters, no conflicts (2 of 4 stars). 4 submissions from 4 submitters: Benign (1); Likely benign (2). 1 of the submissions does not count toward it. Last evaluated 2026-09-01.

Conditions:
TBX6-related disorder. Also called: TBX6-related condition.

Allele frequency attached by ClinVar (database versions not stated): gnomAD exomes 0.00065; ExAC 0.00112; ESP Exome Variant Server 0.00142; 1000 Genomes Project 30x 0.00172; gnomAD 0.00175 and 0.00186; TOPMed 0.00184; 1000 Genomes Project 0.00200.
gnomAD v4.1: 1,260 of 1,568,686 alleles (0.08%); highest among the groups gnomAD compares: African/African-American, 0.57%; 1 homozygote.

Submissions (4):

CeGaT Center for Human Genetics Tuebingen
Classification: Likely benign. Last evaluated: 2026-09-01. Review status: criteria provided, single submitter. Criteria: CeGaT Center For Human Genetics Tuebingen Variant Classification Criteria Version 2. Collection method: clinical testing. Allele origin: germline. Affected: yes. Observed: 2 variant alleles.
Comment: TBX6: BP4, BP7

Labcorp Genetics (formerly Invitae), Labcorp
Classification: Benign. Last evaluated: 2025-12-22. Review status: criteria provided, single submitter. Criteria: Invitae Variant Classification Sherloc (09022015). Collection method: clinical testing. Allele origin: germline.

Blueprint Genetics
Classification: Likely benign. Last evaluated: 2024-11-27. Review status: criteria provided, single submitter. Criteria: ACMG Guidelines, 2015. Collection method: clinical testing. Allele origin: germline.

PreventionGenetics, part of Exact Sciences
Classification: Likely benign for TBX6-related condition. Last evaluated: 2019-09-17. Review status: no assertion criteria provided. Collection method: clinical testing. Allele origin: germline. Not counted in ClinVar's aggregate classification.
Comment: This variant is classified as likely benign based on ACMG/AMP sequence variant interpretation guidelines (Richards et al. 2015 PMID: 25741868, with internal and published modifications).

NM_004608.4(TBX6):c.1149G>A (p.Ser383=)

Gene: TBX6 (T-box transcription factor 6; minus strand). Cytogenetic location: 16p11.2.
Variant type: single nucleotide variant.
Coding change: c.1149G>A on transcript NM_004608.4 (MANE Select); coding-DNA position 1149, G replaced by A.
Protein change: p.Ser383=; no amino-acid change (serine 383 retained).
Molecular consequence: synonymous variant.
Genome position (GRCh38, 1-based): chr16:30,086,387, C>T on the plus strand (G>A on the coding strand, the complement: TBX6 is on the minus strand). VCF-style: chr16-30086387-C-T. GRCh37 (hg19) VCF-style: chr16-30097708-C-T.
Identifiers: ClinVar variation 727599 (VCV000727599.36), dbSNP rs201140031, ClinGen allele CA8001660.